The following is an entry in ClinVar:

ClinVar aggregate classification (germline): Uncertain significance. Review status: criteria provided, multiple submitters, no conflicts (2 of 4 stars). 2 submissions from 2 submitters: Uncertain significance (2). Last evaluated 2025-09-23.

Conditions:
Cardiovascular phenotype. Identifiers: MedGen CN230736.

gnomAD v4.1: 7 of 1,576,098 alleles (0.00044%); highest among the groups gnomAD compares: Non-Finnish European, 0.0006%; no homozygotes.

Submissions (2):

Ambry Genetics
Classification: Uncertain significance for Cardiovascular phenotype. Last evaluated: 2025-09-23. Review status: criteria provided, single submitter. Criteria: Ambry Variant Classification Scheme 2023. Collection method: clinical testing. Allele origin: germline.
Comment: The c.-5C>T variant is located in the 5' untranslated region (5&rsquo; UTR) of the CRYAB gene. This variant results from a C to T substitution 5 bases upstream from the first translated codon. This nucleotide position is well conserved in available vertebrate species. Based on the available evidence, the clinical significance of this variant remains unclear.

Revvity Omics, Revvity
Classification: Uncertain significance. Last evaluated: 2023-11-30. Review status: criteria provided, single submitter. Criteria: ACMG Guidelines, 2015. Collection method: clinical testing. Allele origin: germline.

NM_001289808.2(CRYAB):c.-5C>T

Gene: CRYAB (crystallin alpha B; minus strand). Cytogenetic location: 11q23.1.
Variant type: single nucleotide variant.
Coding change: c.-5C>T on transcript NM_001289808.2 (MANE Select); 5 bases upstream of the start codon, C replaced by T.
Molecular consequence: 5 prime UTR variant.
Genome position (GRCh38, 1-based): chr11:111,911,729, G>A on the plus strand (C>T on the coding strand, the complement: CRYAB is on the minus strand). VCF-style: chr11-111911729-G-A. GRCh37 (hg19) VCF-style: chr11-111782453-G-A.
Other names: c.-5C>T (NM_001289807.1, NM_001368245.1, NM_001885.3 and 1 more transcripts).
Identifiers: ClinVar variation 4078423 (VCV004078423.2).
Genomic context (GRCh38, chr11:111,911,729, plus strand): 5'-GAGTGGAAAGGAAAGAAGGGGCGGCGGATCCAGGGGTGGTGGATGGCGATGTCCATGGTG[G>A]CTAGGTGAGTGTGAGGGGTCAGCTGGCTGGTCAGCTCCTTCAGCTGCAGCTACAGCCAGC-3'